The following is an entry in ClinVar:

NM_020928.2(ZSWIM6):c.1793G>A (p.Arg598Gln)

Gene: ZSWIM6 (zinc finger SWIM-type containing 6; plus strand). Cytogenetic location: 5q12.1.
Variant type: single nucleotide variant.
Coding change: c.1793G>A on transcript NM_020928.2 (MANE Select); coding-DNA position 1793, G replaced by A.
Protein change: p.Arg598Gln; replaces arginine 598 with glutamine.
Molecular consequence: missense variant.
Genome position (GRCh38, 1-based): chr5:61,526,352, G>A. VCF-style: chr5-61526352-G-A. GRCh37 (hg19) VCF-style: chr5-60822179-G-A.
Other names: c.1793G>A (NM_020928.1); short protein forms R598Q.
Identifiers: ClinVar variation 1429440 (VCV001429440.9), dbSNP rs954444840, ClinGen allele CA359943866.

ClinVar aggregate classification (germline): Uncertain significance. Review status: criteria provided, multiple submitters, no conflicts (2 of 4 stars). 2 submissions from 2 submitters: Uncertain significance (2). Last evaluated 2025-08-29.

Conditions:
Inborn genetic diseases. Identifiers: MedGen C0950123, MeSH D030342.

Allele frequency attached by ClinVar (database versions not stated): gnomAD exomes 0.00002.
gnomAD v4.1: 6 of 1,552,038 alleles (0.00039%); highest among the groups gnomAD compares: East Asian, 0.0024%; no homozygotes.

Submissions (2):

Ambry Genetics
Classification: Uncertain significance for Inborn genetic diseases. Last evaluated: 2025-08-29. Review status: criteria provided, single submitter. Criteria: Ambry Variant Classification Scheme 2023. Collection method: clinical testing. Allele origin: germline.

Labcorp Genetics (formerly Invitae), Labcorp
Classification: Uncertain significance. Last evaluated: 2025-02-24. Review status: criteria provided, single submitter. Criteria: Invitae Variant Classification Sherloc (09022015). Collection method: clinical testing. Allele origin: germline.
Comment: This sequence change replaces arginine, which is basic and polar, with glutamine, which is neutral and polar, at codon 598 of the ZSWIM6 protein (p.Arg598Gln). This variant is present in population databases (no rsID available, gnomAD 0.02%). This variant has not been reported in the literature in individuals affected with ZSWIM6-related conditions. ClinVar contains an entry for this variant (Variation ID: 1429440). An algorithm developed to predict the effect of missense changes on protein structure and function (PolyPhen-2) suggests that this variant is likely to be tolerated. In summary, the available evidence is currently insufficient to determine the role of this variant in disease. Therefore, it has been classified as a Variant of Uncertain Significance.